The following is an entry in ClinVar:

NM_022552.5(DNMT3A):c.840C>G (p.Asp280Glu)

Gene: DNMT3A (DNA methyltransferase 3 alpha; minus strand). Cytogenetic location: 2p23.3.
Variant type: single nucleotide variant.
Coding change: c.840C>G on transcript NM_022552.5 (MANE Select); coding-DNA position 840, C replaced by G.
Protein change: p.Asp280Glu; replaces aspartic acid 280 with glutamic acid.
Molecular consequence: missense variant. On other transcripts: non-coding transcript variant (1).
Genome position (GRCh38, 1-based): chr2:25,248,052, G>C on the plus strand (C>G on the coding strand, the complement: DNMT3A is on the minus strand). VCF-style: chr2-25248052-G-C. GRCh37 (hg19) VCF-style: chr2-25470921-G-C.
Other names: c.384C>G, p.Asp128Glu (NM_001320893.1); c.171C>G, p.Asp57Glu (NM_001375819.1); c.273C>G, p.Asp91Glu (NM_153759.3); c.840C>G, p.Asp280Glu (NM_175629.2); short protein forms D128E, D280E, D57E, D91E.
Identifiers: ClinVar variation 4709738 (VCV004709738.1).

ClinVar aggregate classification (germline): Uncertain significance (1 of 4 stars; one submission).

Conditions:
Tatton-Brown-Rahman overgrowth syndrome. Also called: Tall stature-intellectual disability-facial dysmorphism syndrome; Tatton-Brown-Rahman syndrome. Identifiers: Orphanet 404443, MedGen C4014545, MONDO:0014382, OMIM 615879.

Submission:

Labcorp Genetics (formerly Invitae), Labcorp
Classification: Uncertain significance for Tatton-Brown-Rahman overgrowth syndrome. Last evaluated: 2025-12-21. Review status: criteria provided, single submitter. Criteria: Invitae Variant Classification Sherloc (09022015). Collection method: clinical testing. Allele origin: germline.
Comment: This sequence change replaces aspartic acid, which is acidic and polar, with glutamic acid, which is acidic and polar, at codon 280 of the DNMT3A protein (p.Asp280Glu). This variant is not present in population databases (gnomAD no frequency). This variant has not been reported in the literature in individuals affected with DNMT3A-related conditions. Invitae Evidence Modeling of protein sequence and biophysical properties (such as structural, functional, and spatial information, amino acid conservation, physicochemical variation, residue mobility, and thermodynamic stability) indicates that this missense variant is not expected to disrupt DNMT3A protein function with a negative predictive value of 95%. In summary, the available evidence is currently insufficient to determine the role of this variant in disease. Therefore, it has been classified as a Variant of Uncertain Significance.